The following is an entry in ClinVar:

ClinVar aggregate classification (germline): Uncertain significance (1 of 4 stars; one submission).

Allele frequency attached by ClinVar (database versions not stated): gnomAD 0.00001.

Submission:

GeneDx
Classification: Uncertain significance. Last evaluated: 2021-01-19. Review status: criteria provided, single submitter. Criteria: GeneDx Variant Classification Process June 2021. Collection method: clinical testing. Allele origin: germline. Affected: yes.
Comment: Not observed at a significant frequency in large population cohorts (Lek et al., 2016); In-silico analysis, which includes splice predictors and evolutionary conservation, is inconclusive as to whether the variant alters gene splicing. In the absence of RNA/functional studies, the actual effect of this sequence change is unknown.; Has not been previously published as pathogenic or benign to our knowledge

NM_001165963.4(SCN1A):c.2584C>A (p.Arg862=)

Gene: SCN1A (sodium voltage-gated channel alpha subunit 1; minus strand). Cytogenetic location: 2q24.3.
Variant type: single nucleotide variant.
Coding change: c.2584C>A on transcript NM_001165963.4 (MANE Select); coding-DNA position 2584, C replaced by A.
Protein change: p.Arg862=; no amino-acid change (arginine 862 retained).
Molecular consequence: synonymous variant. On other transcripts: non-coding transcript variant (1).
Genome position (GRCh38, 1-based): chr2:166,039,428, G>T on the plus strand (C>A on the coding strand, the complement: SCN1A is on the minus strand). VCF-style: chr2-166039428-G-T. GRCh37 (hg19) VCF-style: chr2-166895938-G-T.
Other names: c.2500C>A, p.Arg834= (NM_001165964.3, NM_001353957.2, NM_001353958.2); c.2584C>A, p.Arg862= (NM_001202435.3, NM_001353948.2); c.2551C>A, p.Arg851= (NM_001353949.2, NM_001353950.2, NM_001353951.2 and 2 more transcripts); c.2548C>A, p.Arg850= (NM_001353954.2, NM_001353955.2); c.2497C>A, p.Arg833= (NM_001353960.2); c.142C>A, p.Arg48= (NM_001353961.2).
Identifiers: ClinVar variation 1254804 (VCV001254804.2), dbSNP rs397514459, ClinGen allele CA429901517.